The following is an entry in ClinVar:

NM_000089.4(COL1A2):c.-5T>C

Gene: COL1A2 (collagen type I alpha 2 chain; plus strand). Cytogenetic location: 7q21.3.
Variant type: single nucleotide variant.
Coding change: c.-5T>C on transcript NM_000089.4 (MANE Select); 5 bases upstream of the start codon, T replaced by C.
Molecular consequence: 5 prime UTR variant.
Genome position (GRCh38, 1-based): chr7:94,395,027, T>C. VCF-style: chr7-94395027-T-C. GRCh37 (hg19) VCF-style: chr7-94024339-T-C.
Identifiers: ClinVar variation 2571282 (VCV002571282.27), dbSNP rs776925896, ClinGen allele CA4346401.
Genomic context (GRCh38, chr7:94,395,027, plus strand): 5'-TGATACCTCCGCCGGTGACCCAGGGGCTCTGCGACACAAGGAGTCTGCATGTCTAAGTGC[T>C]AGACATGCTCAGCTTTGTGGATACGCGGACTTTGTTGCTGCTTGCAGTAACCTTATGCCT-3'

ClinVar aggregate classification (germline): Likely benign (1 of 4 stars; one submission).

Allele frequency attached by ClinVar (database versions not stated): TOPMed below 0.00001; gnomAD 0.00001; gnomAD exomes 0.00001; ExAC 0.00002.
gnomAD v4.1: 21 of 1,613,392 alleles (0.0013%); highest among the groups gnomAD compares: Middle Eastern, 0.018%; no homozygotes.

Submission:

CeGaT Center for Human Genetics Tuebingen
Classification: Likely benign. Last evaluated: 2023-04-01. Review status: criteria provided, single submitter. Criteria: CeGaT Center For Human Genetics Tuebingen Variant Classification Criteria Version 2. Collection method: clinical testing. Allele origin: germline. Affected: yes. Observed: 1 variant allele.
Comment: COL1A2: BP4